The following is an entry in ClinVar:

NM_017563.5(IL17RD):c.1193G>T (p.Ser398Ile)

Gene: IL17RD (interleukin 17 receptor D; minus strand). Cytogenetic location: 3p14.3.
Variant type: single nucleotide variant.
Coding change: c.1193G>T on transcript NM_017563.5 (MANE Select); coding-DNA position 1193, G replaced by T.
Protein change: p.Ser398Ile; replaces serine 398 with isoleucine.
Molecular consequence: missense variant.
Genome position (GRCh38, 1-based): chr3:57,098,510, C>A on the plus strand (G>T on the coding strand, the complement: IL17RD is on the minus strand). VCF-style: chr3-57098510-C-A. GRCh37 (hg19) VCF-style: chr3-57132538-C-A.
Other names: c.761G>T, p.Ser254Ile (NM_001318864.2); short protein forms S254I, S398I.
Identifiers: ClinVar variation 4689602 (VCV004689602.1).

ClinVar aggregate classification (germline): Uncertain significance (1 of 4 stars; one submission).

gnomAD v4.1: 11 of 1,608,724 alleles (0.00068%); highest among the groups gnomAD compares: South Asian, 0.012%; no homozygotes.

Submission:

Women's Health and Genetics/Laboratory Corporation of America, LabCorp
Classification: Uncertain significance. Last evaluated: 2026-01-27. Review status: criteria provided, single submitter. Criteria: LabCorp Variant Classification Summary - May 2015. Collection method: clinical testing. Allele origin: germline.
Comment: Variant summary: IL17RD c.1193G>T (p.Ser398Ile) results in a non-conservative amino acid change in the encoded protein sequence. Algorithms developed to predict the effect of missense changes on protein structure and function are either unavailable or do not agree on the potential impact of this missense change. The variant allele was found at a frequency of 1.6e-05 in 246750 control chromosomes. The available data on variant occurrences in the general population are insufficient to allow any conclusion about variant significance. To our knowledge, no occurrence of c.1193G>T in individuals affected with IL17RD-related conditions and no experimental evidence demonstrating its impact on protein function have been reported. No submitters have cited clinical-significance assessments for this variant to ClinVar. Based on the evidence outlined above, the variant was classified as uncertain significance.